The following is an entry in ClinVar:

NM_025081.3(NYNRIN):c.4211C>T (p.Pro1404Leu)

Gene: NYNRIN (NYN domain and retroviral integrase containing; plus strand). Cytogenetic location: 14q12.
Variant type: single nucleotide variant.
Coding change: c.4211C>T on transcript NM_025081.3 (MANE Select); coding-DNA position 4211, C replaced by T.
Protein change: p.Pro1404Leu; replaces proline 1404 with leucine.
Molecular consequence: missense variant.
Genome position (GRCh38, 1-based): chr14:24,415,960, C>T. VCF-style: chr14-24415960-C-T. GRCh37 (hg19) VCF-style: chr14-24885166-C-T.
Other names: c.4211C>T (NM_025081.2); short protein forms P1404L.
Identifiers: ClinVar variation 4736841 (VCV004736841.2).

ClinVar aggregate classification (germline): Likely benign. Review status: criteria provided, multiple submitters, no conflicts (2 of 4 stars). 2 submissions from 2 submitters: Likely benign (2). Last evaluated 2025-10-17.

Conditions:
NYNRIN-related disorder. Also called: NYNRIN-related condition.

gnomAD v4.1: 255 of 1,613,916 alleles (0.016%); highest among the groups gnomAD compares: South Asian, 0.27%; 1 homozygote.

Submissions (2):

Labcorp Genetics (formerly Invitae), Labcorp
Classification: Likely benign. Last evaluated: 2025-10-17. Review status: criteria provided, single submitter. Criteria: Invitae Variant Classification Sherloc (09022015). Collection method: clinical testing. Allele origin: germline.

PreventionGenetics, part of Exact Sciences
Classification: Likely benign for NYNRIN-related condition. Last evaluated: 2025-02-10. Review status: criteria provided, single submitter. Criteria: ACMG Guidelines, 2015. Collection method: clinical testing. Allele origin: germline.
Comment: This variant is classified as likely benign based on ACMG/AMP sequence variant interpretation guidelines (Richards et al. 2015 PMID: 25741868, with internal and published modifications).